The following is an entry in ClinVar:

ClinVar aggregate classification (germline): Uncertain significance (1 of 4 stars; one submission).

Submission:

GeneDx
Classification: Uncertain significance. Last evaluated: 2026-04-09. Review status: criteria provided, single submitter. Criteria: GeneDx Variant Classification Process June 2021. Collection method: clinical testing. Allele origin: germline.
Comment: Frameshift variant predicted to result in protein truncation or nonsense mediated decay in a gene or region of a gene for which loss of function is not a well-established mechanism of disease; Not observed at significant frequency in large population cohorts (gnomAD); Has not been previously published as pathogenic or benign to our knowledge

NM_000829.4(GRIA4):c.552_553del (p.Ile184fs)

Gene: GRIA4 (glutamate ionotropic receptor AMPA type subunit 4; plus strand). Cytogenetic location: 11q22.3.
Variant type: Microsatellite.
Coding change: c.552_553del on transcript NM_000829.4 (MANE Select); coding-DNA positions 552 to 553, 2 bases deleted (AT; older notation c.552_553delAT).
Protein change: p.Ile184fs; shifts the reading frame from isoleucine 184.
Molecular consequence: frameshift variant. On other transcripts: non-coding transcript variant (1).
Genome position (GRCh38, 1-based): chr11:105,862,088-105,862,089, AT deleted; deleting any 2 consecutive bases within chr11:105,862,085-105,862,089 gives the same sequence; the c. name uses the placement nearest the transcript's 3' end. VCF-style (leftmost placement, unchanged base first): chr11-105862084-CTA-C. GRCh37 (hg19) VCF-style: chr11-105732810-CTA-C.
Other names: c.552_553del, p.Ile184fs (NM_001077243.3, NM_001077244.2, NM_001112812.2 and 20 more transcripts); short protein forms I184fs.
Identifiers: ClinVar variation 5018304 (VCV005018304.1).